The following is an entry in ClinVar:

ClinVar aggregate classification (germline): Uncertain significance. Review status: criteria provided, single submitter (1 of 4 stars). 2 submissions from 2 submitters: Uncertain significance (1). 1 of the submissions does not count toward it. Last evaluated 2024-05-23.

Conditions:
FMN2-related disorder. Also called: FMN2-related condition.

Allele frequency attached by ClinVar (database versions not stated): TOPMed 0.00003; gnomAD 0.00013; gnomAD exomes 0.00020; ExAC 0.00035; 1000 Genomes Project 30x 0.00062; 1000 Genomes Project 0.00080.
gnomAD v4.1: 307 of 1,612,588 alleles (0.019%); highest among the groups gnomAD compares: South Asian, 0.23%; 1 homozygote.

Submissions (2):

Blueprint Genetics
Classification: Uncertain significance. Last evaluated: 2024-05-23. Review status: criteria provided, single submitter. Criteria: ACMG Guidelines, 2015. Collection method: clinical testing. Allele origin: germline.

PreventionGenetics, part of Exact Sciences
Classification: Likely benign for FMN2-related condition. Last evaluated: 2023-07-13. Review status: no assertion criteria provided. Collection method: clinical testing. Allele origin: germline. Not counted in ClinVar's aggregate classification.
Comment: This variant is classified as likely benign based on ACMG/AMP sequence variant interpretation guidelines (Richards et al. 2015 PMID: 25741868, with internal and published modifications).

NM_020066.5(FMN2):c.4450G>T (p.Gly1484Cys)

Gene: FMN2 (formin 2; plus strand). Cytogenetic location: 1q43.
Variant type: single nucleotide variant.
Coding change: c.4450G>T on transcript NM_020066.5 (MANE Select); coding-DNA position 4450, G replaced by T.
Protein change: p.Gly1484Cys; replaces glycine 1484 with cysteine.
Molecular consequence: missense variant.
Genome position (GRCh38, 1-based): chr1:240,330,615, G>T. VCF-style: chr1-240330615-G-T. GRCh37 (hg19) VCF-style: chr1-240493915-G-T.
Other names: c.4462G>T, p.Gly1488Cys (NM_001305424.2); c.2371G>T, p.Gly791Cys (NM_001348094.2); short protein forms G1484C, G1488C, G791C.
Identifiers: ClinVar variation 3057947 (VCV003057947.3), dbSNP rs375018806, ClinGen allele CA1477527.